The following is an entry in ClinVar:

ClinVar aggregate classification (germline): Uncertain significance. Review status: criteria provided, multiple submitters, no conflicts (2 of 4 stars). 2 submissions from 2 submitters: Uncertain significance (2). Last evaluated 2022-02-07.

Conditions:
Pierson syndrome. Also called: MICROCORIA-CONGENITAL NEPHROTIC SYNDROME. Identifiers: Orphanet 2670, MedGen C1836876, MONDO:0012184, OMIM 609049.
LAMB2-related infantile-onset nephrotic syndrome. Also called: Nephrotic Syndrome, type 5; NEPHROTIC SYNDROME, TYPE 5, WITHOUT OCULAR ABNORMALITIES; NEPHROTIC SYNDROME, TYPE 5, WITH OCULAR ABNORMALITIES. Identifiers: Orphanet 306507, MedGen C3280113, MONDO:0013621, OMIM 614199.

Allele frequency attached by ClinVar (database versions not stated): gnomAD 0.00001; gnomAD exomes 0.00001; TOPMed 0.00002.
gnomAD v4.1: 16 of 1,614,014 alleles (0.00099%); highest among the groups gnomAD compares: Non-Finnish European, 0.0014%; no homozygotes.

Submissions (2):

Fulgent Genetics
Classification: Uncertain significance for Pierson syndrome; LAMB2-related infantile-onset nephrotic syndrome. Last evaluated: 2022-02-07. Review status: criteria provided, single submitter. Criteria: ACMG Guidelines, 2015. Collection method: clinical testing. Allele origin: unknown.

Labcorp Genetics (formerly Invitae), Labcorp
Classification: Uncertain significance for LAMB2-related infantile-onset nephrotic syndrome; Pierson syndrome. Last evaluated: 2021-09-01. Review status: criteria provided, single submitter. Criteria: Invitae Variant Classification Sherloc (09022015). Collection method: clinical testing. Allele origin: germline.
Comment: This sequence change replaces valine with isoleucine at codon 1354 of the LAMB2 protein (p.Val1354Ile). The valine residue is highly conserved and there is a small physicochemical difference between valine and isoleucine. This variant is not present in population databases (ExAC no frequency). This variant has not been reported in the literature in individuals affected with LAMB2-related conditions. Algorithms developed to predict the effect of missense changes on protein structure and function output the following: SIFT: "Tolerated"; PolyPhen-2: "Benign"; Align-GVGD: "Class C0". The isoleucine amino acid residue is found in multiple mammalian species, which suggests that this missense change does not adversely affect protein function. In summary, the available evidence is currently insufficient to determine the role of this variant in disease. Therefore, it has been classified as a Variant of Uncertain Significance.

NM_002292.4(LAMB2):c.4060G>A (p.Val1354Ile)

Gene: LAMB2 (laminin subunit beta 2; minus strand). Cytogenetic location: 3p21.31.
Variant type: single nucleotide variant.
Coding change: c.4060G>A on transcript NM_002292.4 (MANE Select); coding-DNA position 4060, G replaced by A.
Protein change: p.Val1354Ile; replaces valine 1354 with isoleucine.
Molecular consequence: missense variant.
Genome position (GRCh38, 1-based): chr3:49,123,296, C>T on the plus strand (G>A on the coding strand, the complement: LAMB2 is on the minus strand). VCF-style: chr3-49123296-C-T. GRCh37 (hg19) VCF-style: chr3-49160729-C-T.
Other names: short protein forms V1354I.
Identifiers: ClinVar variation 1421194 (VCV001421194.6), dbSNP rs1013824488, ClinGen allele CA74477162.